The following is an entry in ClinVar:

NM_001297.5(CNGB1):c.3G>A (p.Met1Ile)

Gene: CNGB1 (cyclic nucleotide gated channel subunit beta 1; minus strand). Cytogenetic location: 16q21.
Variant type: single nucleotide variant.
Coding change: c.3G>A on transcript NM_001297.5 (MANE Select); coding-DNA position 3, G replaced by A.
Protein change: p.Met1Ile; changes the start codon (methionine 1).
Molecular consequence: missense variant, initiator codon variant.
Genome position (GRCh38, 1-based): chr16:57,967,284, C>T on the plus strand (G>A on the coding strand, the complement: CNGB1 is on the minus strand). VCF-style: chr16-57967284-C-T. GRCh37 (hg19) VCF-style: chr16-58001188-C-T.
Other names: c.3G>A, p.Met1Ile (NM_001135639.2, NM_001286130.2); short protein forms M1I.
Identifiers: ClinVar variation 1053447 (VCV001053447.15), dbSNP rs1230824209, ClinGen allele CA396064407.

ClinVar aggregate classification (germline): Uncertain significance. Review status: criteria provided, multiple submitters, no conflicts (2 of 4 stars). 4 submissions from 4 submitters: Uncertain significance (4). Last evaluated 2022-07-30.

Conditions:
Retinitis pigmentosa 45 (RP45). Identifiers: Orphanet 791, MedGen C3151066, MONDO:0013413, OMIM 613767.
Inborn genetic diseases. Identifiers: MedGen C0950123, MeSH D030342.

Allele frequency attached by ClinVar (database versions not stated): gnomAD exomes 0.00001; TOPMed 0.00001; gnomAD 0.00002.

Submissions (4):

Labcorp Genetics (formerly Invitae), Labcorp
Classification: Uncertain significance. Last evaluated: 2022-07-30. Review status: criteria provided, single submitter. Criteria: Invitae Variant Classification Sherloc (09022015). Collection method: clinical testing. Allele origin: germline.
Comment: This variant has not been reported in the literature in individuals affected with CNGB1-related conditions. In summary, the available evidence is currently insufficient to determine the role of this variant in disease. Therefore, it has been classified as a Variant of Uncertain Significance. Experimental studies and prediction algorithms are not available or were not evaluated, and the functional significance of this variant is currently unknown. ClinVar contains an entry for this variant (Variation ID: 1053447). This variant is present in population databases (no rsID available, gnomAD 0.01%). This sequence change affects the initiator methionine of the CNGB1 mRNA. The next in-frame methionine is located at codon 21.

Blueprint Genetics
Classification: Uncertain significance. Last evaluated: 2021-12-13. Review status: criteria provided, single submitter. Criteria: ACMG Guidelines, 2015. Collection method: clinical testing. Allele origin: germline.

Revvity Omics, Revvity
Classification: Uncertain significance for Retinitis pigmentosa 45. Last evaluated: 2021-02-06. Review status: criteria provided, single submitter. Criteria: ACMG Guidelines, 2015. Collection method: clinical testing. Allele origin: germline.

Ambry Genetics
Classification: Uncertain significance for Inborn genetic diseases. Last evaluated: 2018-03-09. Review status: criteria provided, single submitter. Criteria: Ambry Variant Classification Scheme 2023. Collection method: clinical testing. Allele origin: germline.
Comment: The p.M1? variant (also known as c.3G>A), located in coding exon 1 of the CNGB1 gene, results from a G to A substitution at nucleotide position 3. This alters the methionine residue at the initiation codon. Variations that modify the initiation codon (ATG) are expected to result in either loss of translation initiation, N-terminal truncation, or cause a shift in the mRNA reading frame; however there is an alternate in-frame methionine 21 amino acids from the initiation site and the significance of the N-terminus for this protein is not well established. Since supporting evidence is limited at this time, the clinical significance of this alteration remains unclear.